The following is an entry in ClinVar:

NM_000540.3(RYR1):c.5191T>C (p.Ser1731Pro)

Gene: RYR1 (ryanodine receptor 1; plus strand). Cytogenetic location: 19q13.2.
Variant type: single nucleotide variant.
Coding change: c.5191T>C on transcript NM_000540.3 (MANE Select); coding-DNA position 5191, T replaced by C.
Protein change: p.Ser1731Pro; replaces serine 1731 with proline.
Molecular consequence: missense variant.
Genome position (GRCh38, 1-based): chr19:38,485,846, T>C. VCF-style: chr19-38485846-T-C. GRCh37 (hg19) VCF-style: chr19-38976486-T-C.
Other names: c.5191T>C, p.Ser1731Pro (NM_001042723.2); short protein forms S1731P.
Identifiers: ClinVar variation 3387731 (VCV003387731.1).
Genomic context (GRCh38, chr19:38,485,846, plus strand): 5'-TATGACCTCCTCATCAGCATCCACCTCGAAAGTGCCTGCCGCAGCCGCCGCTCCATGCTC[T>C]CTGAATACATCGTGCCCCTCACGCCTGAGACCCGCGCCATCACGCTCTTCCCTCCTGGAA-3'
Protein context (NP_000531.2, residues 1721-1741): SACRSRRSML[Ser1731Pro]EYIVPLTPET

ClinVar aggregate classification (germline): Uncertain significance (1 of 4 stars; one submission).

Conditions:
Malignant hyperthermia, susceptibility to, 1 (MHS1). Also called: Anesthesia related hyperthermia; Malignant hyperpyrexia; Fulminating hyperpyrexia; Pharmacogenic myopathy; RYR1-Related Malignant Hyperthermia Susceptibility; Malignant hyperthermia suceptibility 1. Identifiers: Orphanet 423, MedGen C2930980, MONDO:0007783, OMIM 145600.

Submission:

All of Us Research Program, National Institutes of Health
Classification: Uncertain significance for Malignant hyperthermia, susceptibility to, 1. Last evaluated: 2024-03-05. Review status: criteria provided, single submitter. Criteria: ACMG Guidelines, 2015. Collection method: clinical testing. Allele origin: germline. Inheritance: Autosomal dominant inheritance. Observed: 1 variant allele, 1 heterozygote.
Comment: This study involves interpretation of variants in research participants for the purpose of population health screening. Participant phenotype was not available at the time of variant classification. Additional details can be found in publication PMID: 35346344, PMCID: PMC8962531